The following is an entry in ClinVar:

NM_022089.4(ATP13A2):c.599C>G (p.Ser200Cys)

Gene: ATP13A2 (ATPase cation transporting 13A2; minus strand). Cytogenetic location: 1p36.13.
Variant type: single nucleotide variant.
Coding change: c.599C>G on transcript NM_022089.4 (MANE Select); coding-DNA position 599, C replaced by G.
Protein change: p.Ser200Cys; replaces serine 200 with cysteine.
Molecular consequence: missense variant.
Genome position (GRCh38, 1-based): chr1:17,002,332, G>C on the plus strand (C>G on the coding strand, the complement: ATP13A2 is on the minus strand). VCF-style: chr1-17002332-G-C. GRCh37 (hg19) VCF-style: chr1-17328827-G-C.
Other names: c.584C>G, p.Ser195Cys (NM_001141973.3, NM_001141974.3); short protein forms S200C, S195C.
Identifiers: ClinVar variation 1525431 (VCV001525431.8), dbSNP rs2101047661, ClinGen allele CA338260273.

ClinVar aggregate classification (germline): Uncertain significance (1 of 4 stars; one submission).

Conditions:
Autosomal recessive spastic paraplegia type 78. Identifiers: Orphanet 513436, MedGen C5567893, MONDO:0014975, OMIM 617225.
Kufor-Rakeb syndrome (KRS). Also called: PARKINSON DISEASE 9, AUTOSOMAL RECESSIVE, JUVENILE-ONSET. Identifiers: Orphanet 306674, Orphanet 314632, MedGen C1847640, MONDO:0011706, OMIM 606693.

Submission:

Labcorp Genetics (formerly Invitae), Labcorp
Classification: Uncertain significance for Kufor-Rakeb syndrome; Autosomal recessive spastic paraplegia type 78. Last evaluated: 2021-04-27. Review status: criteria provided, single submitter. Criteria: Invitae Variant Classification Sherloc (09022015). Collection method: clinical testing. Allele origin: germline.
Comment: This variant is not present in population databases (ExAC no frequency). This sequence change replaces serine with cysteine at codon 200 of the ATP13A2 protein (p.Ser200Cys). The serine residue is weakly conserved and there is a moderate physicochemical difference between serine and cysteine. In summary, the available evidence is currently insufficient to determine the role of this variant in disease. Therefore, it has been classified as a Variant of Uncertain Significance. Advanced modeling of protein sequence and biophysical properties (such as structural, functional, and spatial information, amino acid conservation, physicochemical variation, residue mobility, and thermodynamic stability) performed at Invitae indicates that this missense variant is not expected to disrupt ATP13A2 protein function. This variant has not been reported in the literature in individuals with ATP13A2-related conditions.